The following is an entry in ClinVar:

ClinVar aggregate classification (germline): Uncertain significance (1 of 4 stars; one submission).

Conditions:
GM3 synthase deficiency (SPDRS). Also called: SALT AND PEPPER DEVELOPMENTAL REGRESSION SYNDROME; AMISH INFANTILE EPILEPSY SYNDROME; SALT AND PEPPER MENTAL RETARDATION SYNDROME. Identifiers: Orphanet 171714, Orphanet 370933, MedGen C1836824, MONDO:0018274, OMIM 609056.

Allele frequency attached by ClinVar (database versions not stated): TOPMed 0.00002; gnomAD 0.00005.

Submission:

Labcorp Genetics (formerly Invitae), Labcorp
Classification: Uncertain significance for GM3 synthase deficiency. Last evaluated: 2022-02-05. Review status: criteria provided, single submitter. Criteria: Invitae Variant Classification Sherloc (09022015). Collection method: clinical testing. Allele origin: germline.
Comment: In summary, the available evidence is currently insufficient to determine the role of this variant in disease. Therefore, it has been classified as a Variant of Uncertain Significance. Algorithms developed to predict the effect of missense changes on protein structure and function (SIFT, PolyPhen-2, Align-GVGD) all suggest that this variant is likely to be tolerated. This sequence change replaces threonine, which is neutral and polar, with serine, which is neutral and polar, at codon 3 of the ST3GAL5 protein (p.Thr3Ser). This variant is present in population databases (no rsID available, gnomAD 0.02%). This variant has not been reported in the literature in individuals affected with ST3GAL5-related conditions. ClinVar contains an entry for this variant (Variation ID: 1019340).

NM_003896.4(ST3GAL5):c.7A>T (p.Thr3Ser)

Genes: ST3GAL5 (ST3 beta-galactoside alpha-2,3-sialyltransferase 5; minus strand), LOC129934236 (ATAC-STARR-seq lymphoblastoid silent region 11709; plus strand). Cytogenetic location: 2p11.2.
Variant type: single nucleotide variant.
Coding change: c.7A>T on transcript NM_003896.4 (MANE Select); coding-DNA position 7, A replaced by T.
Protein change: p.Thr3Ser; replaces threonine 3 with serine.
Molecular consequence: missense variant. On other transcripts: 5 prime UTR variant (6).
Genome position (GRCh38, 1-based): chr2:85,888,899, T>A on the plus strand (A>T on the coding strand, the complement: ST3GAL5 is on the minus strand). VCF-style: chr2-85888899-T-A. GRCh37 (hg19) VCF-style: chr2-86116022-T-A.
Other names: c.-956A>T (NM_001354223.2); c.-618A>T (NM_001354224.2); c.-555A>T (NM_001354226.2); c.-265A>T (NM_001354227.2); c.-209A>T (NM_001354229.2); c.-995A>T (NM_001354233.2); c.7A>T, p.Thr3Ser (NM_001363847.1); short protein forms T3S.
Identifiers: ClinVar variation 1019340 (VCV001019340.7), dbSNP rs1441880596, ClinGen allele CA347536206.